The following is an entry in ClinVar:

ClinVar aggregate classification (germline): Pathogenic/Likely pathogenic. Review status: criteria provided, multiple submitters, no conflicts (2 of 4 stars). 4 submissions from 3 submitters: Pathogenic (3); Likely pathogenic (1). Last evaluated 2024-10-15.

Conditions:
Intellectual developmental disorder, autosomal dominant 42. Also called: GNB1 Encephalopathy; Intellectual disability, autosomal dominant 42; Global developmental delay-neuro-ophthalmological abnormalities-seizures-intellectual disability syndrome. Identifiers: Orphanet 488613, MedGen C4310774, MONDO:0014855, OMIM 616973.
Intellectual disability. Also called: Intellectual developmental disorder; Intellectual functioning disability; intellectual disabilities. Identifiers: MedGen C3714756, MeSH D008607, MONDO:0001071, HP:0001249.

Submissions (4):

Labcorp Genetics (formerly Invitae), Labcorp
Classification: Likely pathogenic. Last evaluated: 2024-10-15. Review status: criteria provided, single submitter. Criteria: Invitae Variant Classification Sherloc (09022015). Collection method: clinical testing. Allele origin: germline.
Comment: This sequence change replaces alanine, which is neutral and non-polar, with threonine, which is neutral and polar, at codon 92 of the GNB1 protein (p.Ala92Thr). This variant is not present in population databases (gnomAD no frequency). This missense change has been observed in individual(s) with intellectual disability syndrome (PMID: 28087732). In at least one individual the variant was observed to be de novo. ClinVar contains an entry for this variant (Variation ID: 633546). Invitae Evidence Modeling of protein sequence and biophysical properties (such as structural, functional, and spatial information, amino acid conservation, physicochemical variation, residue mobility, and thermodynamic stability) indicates that this missense variant is not expected to disrupt GNB1 protein function with a negative predictive value of 80%. This variant disrupts the p.Ala92 amino acid residue in GNB1. Other variant(s) that disrupt this residue have been determined to be pathogenic (PMID: 30194818, 31785789). This suggests that this residue is clinically significant, and that variants that disrupt this residue are likely to be disease-causing. In summary, the currently available evidence indicates that the variant is pathogenic, but additional data are needed to prove that conclusively. Therefore, this variant has been classified as Likely Pathogenic.

Institute of Human Genetics, University of Leipzig Medical Center
Classification: Pathogenic for Intellectual disability. Last evaluated: 2020-08-03. Review status: criteria provided, single submitter. Criteria: ACMG Guidelines, 2015. Collection method: clinical testing. Allele origin: unknown. Affected: yes.
Comment: Inheritance for this variant was unknown. The variant likely explains the NDD in this individual.

Institute of Human Genetics, University of Leipzig Medical Center
Classification: Pathogenic for Intellectual developmental disorder, autosomal dominant 42. Last evaluated: 2019-01-01. Review status: criteria provided, single submitter. Criteria: ACMG Guidelines, 2015. Collection method: clinical testing. Allele origin: unknown. Affected: yes.

Laboratory of Molecular Genetics (Pr. Bezieau's lab), CHU de Nantes
Classification: Pathogenic. Last evaluated: 2018-11-08. Review status: criteria provided, single submitter. Criteria: ACMG Guidelines, 2015. Collection method: clinical testing. Allele origin: germline. Affected: yes.

Literature cited by the submitters: PubMed 28087732 (cited by Labcorp Genetics (formerly Invitae), Labcorp); PubMed 30194818 (cited by Labcorp Genetics (formerly Invitae), Labcorp); PubMed 31785789 (cited by Labcorp Genetics (formerly Invitae), Labcorp).

NM_002074.5(GNB1):c.274G>A (p.Ala92Thr)

Gene: GNB1 (G protein subunit beta 1; minus strand). Cytogenetic location: 1p36.33.
Variant type: single nucleotide variant.
Coding change: c.274G>A on transcript NM_002074.5 (MANE Select); coding-DNA position 274, G replaced by A.
Protein change: p.Ala92Thr; replaces alanine 92 with threonine.
Molecular consequence: missense variant. On other transcripts: 5 prime UTR variant (1).
Genome position (GRCh38, 1-based): chr1:1,804,575, C>T on the plus strand (G>A on the coding strand, the complement: GNB1 is on the minus strand). VCF-style: chr1-1804575-C-T. GRCh37 (hg19) VCF-style: chr1-1736014-C-T.
Other names: c.-27G>A (NM_001282538.2); c.274G>A, p.Ala92Thr (NM_001282539.2); short protein forms A92T.
Identifiers: ClinVar variation 633546 (VCV000633546.8), dbSNP rs1557889974, ClinGen allele CA337915434.